The following is an entry in ClinVar:

ClinVar aggregate classification (germline): Uncertain significance. Review status: criteria provided, multiple submitters, no conflicts (2 of 4 stars). 2 submissions from 2 submitters: Uncertain significance (2). Last evaluated 2022-11-23.

Conditions:
Nephrolithiasis/nephrocalcinosis. Identifiers: MedGen CN580796.

Submissions (2):

Ambry Genetics
Classification: Uncertain significance for Nephrolithiasis/nephrocalcinosis. Last evaluated: 2022-11-23. Review status: criteria provided, single submitter. Criteria: Ambry Variant Classification Scheme 2023. Collection method: clinical testing. Allele origin: germline.
Comment: The p.S769C variant (also known as c.2306C>G), located in coding exon 6 of the CASR gene, results from a C to G substitution at nucleotide position 2306. The serine at codon 769 is replaced by cysteine, an amino acid with dissimilar properties. This amino acid position is conserved. In addition, this alteration is predicted to be deleterious by in silico analysis. Since supporting evidence is limited at this time, the clinical significance of this alteration remains unclear.

Athena Diagnostics
Classification: Uncertain significance. Last evaluated: 2021-09-24. Review status: criteria provided, single submitter. Criteria: Athena Diagnostics Criteria. Collection method: clinical testing. Allele origin: unknown.

NM_000388.4(CASR):c.2306C>G (p.Ser769Cys)

Gene: CASR (calcium sensing receptor; plus strand). Cytogenetic location: 3q21.1.
Variant type: single nucleotide variant.
Coding change: c.2306C>G on transcript NM_000388.4 (MANE Select); coding-DNA position 2306, C replaced by G.
Protein change: p.Ser769Cys; replaces serine 769 with cysteine.
Molecular consequence: missense variant.
Genome position (GRCh38, 1-based): chr3:122,284,260, C>G. VCF-style: chr3-122284260-C-G. GRCh37 (hg19) VCF-style: chr3-122003107-C-G.
Other names: c.2336C>G, p.Ser779Cys (NM_001178065.2); short protein forms S769C, S779C.
Identifiers: ClinVar variation 1807340 (VCV001807340.3), dbSNP rs2473279371, ClinGen allele CA354159436.